The following is an entry in ClinVar:

ClinVar aggregate classification (germline): Pathogenic (1 of 4 stars; one submission).

Conditions:
Pigmentary pallidal degeneration (NBIA1). Also called: HARP SYNDROME; Pantothenate Kinase-Associated Neurodegeneration; Neuroaxonal dystrophy, late infantile; Hallervorden-Spatz disease; PKAN NEUROAXONAL DYSTROPHY, JUVENILE-ONSET; Neurodegeneration with brain iron accumulation 1. Identifiers: Orphanet 157850, MedGen C0018523, MONDO:0009319, OMIM 234200.

Submission:

Labcorp Genetics (formerly Invitae), Labcorp
Classification: Pathogenic for Pigmentary pallidal degeneration. Last evaluated: 2023-04-24. Review status: criteria provided, single submitter. Criteria: Invitae Variant Classification Sherloc (09022015). Collection method: clinical testing. Allele origin: germline.
Comment: For these reasons, this variant has been classified as Pathogenic. ClinVar contains an entry for this variant (Variation ID: 573171). This premature translational stop signal has been observed in individual(s) with pantothenate kinase-associated neurodegeneration (PMID: 26828213). This variant is not present in population databases (gnomAD no frequency). This sequence change creates a premature translational stop signal (p.Phe419Leufs*31) in the PANK2 gene. It is expected to result in an absent or disrupted protein product. Loss-of-function variants in PANK2 are known to be pathogenic (PMID: 11479594, 12510040).

Literature cited by the submitters: PubMed 26828213; PubMed 11479594; PubMed 12510040.

NM_001386393.1(PANK2):c.927del (p.Phe309fs)

Gene: PANK2 (pantothenate kinase 2; plus strand). Cytogenetic location: 20p13.
Variant type: Deletion.
Coding change: c.927del on transcript NM_001386393.1 (MANE Select); coding-DNA position 927, one base deleted (T; older notation c.927delT).
Protein change: p.Phe309fs; shifts the reading frame from phenylalanine 309.
Molecular consequence: frameshift variant. On other transcripts: 5 prime UTR variant (1), non-coding transcript variant (1).
Genome position (GRCh38, 1-based): chr20:3,912,479, T deleted; the last of 7 consecutive T bases (chr20:3,912,473-3,912,479); deleting any one gives the same sequence. VCF-style (leftmost placement, unchanged base first): chr20-3912472-CT-C. GRCh37 (hg19) VCF-style: chr20-3893119-CT-C.
Other names: c.384del, p.Phe128fs (NM_001324191.2, NM_024960.6, NM_153640.4); c.-52del (NM_001324193.2); c.1257del, p.Phe419fs (NM_153638.4); short protein forms F128fs, F419fs, F309fs.
Identifiers: ClinVar variation 573171 (VCV000573171.8), dbSNP rs1568574931, ClinGen allele CA645616018.